The following is an entry in ClinVar:

NM_022725.4(FANCF):c.166A>G (p.Thr56Ala)

Gene: FANCF (FA complementation group F; minus strand). Cytogenetic location: 11p14.3.
Variant type: single nucleotide variant.
Coding change: c.166A>G on transcript NM_022725.4 (MANE Select); coding-DNA position 166, A replaced by G.
Protein change: p.Thr56Ala; replaces threonine 56 with alanine.
Molecular consequence: missense variant.
Genome position (GRCh38, 1-based): chr11:22,625,645, T>C on the plus strand (A>G on the coding strand, the complement: FANCF is on the minus strand). VCF-style: chr11-22625645-T-C. GRCh37 (hg19) VCF-style: chr11-22647191-T-C.
Other names: short protein forms T56A.
Identifiers: ClinVar variation 1471904 (VCV001471904.5), dbSNP rs772736775, ClinGen allele CA5924416.
Genomic context (GRCh38, chr11:22,625,645, plus strand): 5'-GACCCCGCCCAAAGCCGCCCTCTTGCCTCCACTGGTTGTGCAGCCGCCGCTCCAGAGCCG[T>C]GCGAATGGGGCCATGCCGACCAAAGCGCCGATGGATGTGGCGCAGGTAGCGCGCCCACTG-3'
Protein context (NP_073562.1, residues 46-66): RRFGRHGPIR[Thr56Ala]ALERRLHNQW

ClinVar aggregate classification (germline): Uncertain significance. Review status: criteria provided, multiple submitters, no conflicts (2 of 4 stars). 2 submissions from 2 submitters: Uncertain significance (2). Last evaluated 2024-04-01.

Conditions:
Fanconi anemia (FA). Also called: Fanconi's anemia. Identifiers: Orphanet 84, MedGen C0015625, MeSH D005199, MONDO:0019391.
Fanconi anemia complementation group F. Also called: FANCF-Related Fanconi Anemia. Identifiers: Orphanet 84, MedGen C3469526, MONDO:0011325, OMIM 603467.

Allele frequency attached by ClinVar (database versions not stated): gnomAD exomes below 0.00001; ExAC 0.00001; gnomAD 0.00001; TOPMed 0.00001.
gnomAD v4.1: 8 of 1,613,782 alleles (0.0005%); highest among the groups gnomAD compares: Non-Finnish European, 0.00068%; no homozygotes.

Submissions (2):

Fulgent Genetics
Classification: Uncertain significance for Fanconi anemia complementation group F. Last evaluated: 2024-04-01. Review status: criteria provided, single submitter. Criteria: ACMG Guidelines, 2015. Collection method: clinical testing. Allele origin: germline.

Labcorp Genetics (formerly Invitae), Labcorp
Classification: Uncertain significance for Fanconi anemia. Last evaluated: 2023-05-22. Review status: criteria provided, single submitter. Criteria: Invitae Variant Classification Sherloc (09022015). Collection method: clinical testing. Allele origin: germline.
Comment: In summary, the available evidence is currently insufficient to determine the role of this variant in disease. Therefore, it has been classified as a Variant of Uncertain Significance. Advanced modeling of protein sequence and biophysical properties (such as structural, functional, and spatial information, amino acid conservation, physicochemical variation, residue mobility, and thermodynamic stability) performed at Invitae indicates that this missense variant is not expected to disrupt FANCF protein function. ClinVar contains an entry for this variant (Variation ID: 1471904). This variant has not been reported in the literature in individuals affected with FANCF-related conditions. The frequency data for this variant in the population databases is considered unreliable, as metrics indicate poor data quality at this position in the gnomAD database. This sequence change replaces threonine, which is neutral and polar, with alanine, which is neutral and non-polar, at codon 56 of the FANCF protein (p.Thr56Ala).